The following is an entry in ClinVar:

ClinVar aggregate classification (germline): Likely pathogenic (1 of 4 stars; one submission).

Conditions:
Achondrogenesis, type IB (ACG1B). Also called: Achondrogenesis Type 1B. Identifiers: Orphanet 932, Orphanet 93298, MedGen C0265274, MONDO:0010966, OMIM 600972.
Atelosteogenesis type II (AO2). Also called: NEONATAL OSSEOUS DYSPLASIA I; Neonatal osseous dysplasia 1; SLC26A2-Related Atelosteogenesis. Identifiers: Orphanet 56304, MedGen C1850554, MONDO:0009727, OMIM 256050.
Diastrophic dysplasia (DTD). Also called: Diastrophic dwarfism. Identifiers: Orphanet 628, MedGen C0220726, MONDO:0009107, OMIM 222600.
Multiple epiphyseal dysplasia type 4 (EDM4). Also called: SLC26A2-Related Multiple Epiphyseal Dysplasia; Multiple Epiphyseal Dysplasia, Recessive; MULTIPLE EPIPHYSEAL DYSPLASIA WITH BILAYERED PATELLAE; MULTIPLE EPIPHYSEAL DYSPLASIA WITH CLUBFOOT; MULTIPLE EPIPHYSEAL DYSPLASIA, AUTOSOMAL RECESSIVE. Identifiers: Orphanet 93307, MedGen C1847593, MONDO:0009189, OMIM 226900.

Submission:

Labcorp Genetics (formerly Invitae), Labcorp
Classification: Likely pathogenic for Atelosteogenesis type II; Multiple epiphyseal dysplasia type 4; Achondrogenesis, type IB; Diastrophic dysplasia. Last evaluated: 2022-01-20. Review status: criteria provided, single submitter. Criteria: Invitae Variant Classification Sherloc (09022015). Collection method: clinical testing. Allele origin: germline.
Comment: This sequence change replaces tryptophan, which is neutral and slightly polar, with arginine, which is basic and polar, at codon 505 of the SLC26A2 protein (p.Trp505Arg). This variant is not present in population databases (gnomAD no frequency). This missense change has been observed in individual(s) with SLC26A2-related conditions (Invitae). In at least one individual the data is consistent with being in trans (on the opposite chromosome) from a pathogenic variant. Advanced modeling of protein sequence and biophysical properties (such as structural, functional, and spatial information, amino acid conservation, physicochemical variation, residue mobility, and thermodynamic stability) performed at Invitae indicates that this missense variant is expected to disrupt SLC26A2 protein function. In summary, the currently available evidence indicates that the variant is pathogenic, but additional data are needed to prove that conclusively. Therefore, this variant has been classified as Likely Pathogenic.

NM_000112.4(SLC26A2):c.1513T>C (p.Trp505Arg)

Gene: SLC26A2 (solute carrier family 26 member 2; plus strand). Cytogenetic location: 5q32.
Variant type: single nucleotide variant.
Coding change: c.1513T>C on transcript NM_000112.4 (MANE Select); coding-DNA position 1513, T replaced by C.
Protein change: p.Trp505Arg; replaces tryptophan 505 with arginine.
Molecular consequence: missense variant.
Genome position (GRCh38, 1-based): chr5:149,981,106, T>C. VCF-style: chr5-149981106-T-C. GRCh37 (hg19) VCF-style: chr5-149360669-T-C.
Other names: short protein forms W505R.
Identifiers: ClinVar variation 1386201 (VCV001386201.6), dbSNP rs2113698845, ClinGen allele CA361708020.